The following is an entry in ClinVar:

NM_000059.4(BRCA2):c.3225T>G (p.Ser1075Arg)

Gene: BRCA2 (BRCA2 DNA repair associated; plus strand). Cytogenetic location: 13q13.1.
Variant type: single nucleotide variant.
Coding change: c.3225T>G on transcript NM_000059.4 (MANE Select); coding-DNA position 3225, T replaced by G.
Protein change: p.Ser1075Arg; replaces serine 1075 with arginine.
Molecular consequence: missense variant.
Genome position (GRCh38, 1-based): chr13:32,337,580, T>G. VCF-style: chr13-32337580-T-G. GRCh37 (hg19) VCF-style: chr13-32911717-T-G.
Other names: short protein forms S1075R.
Identifiers: ClinVar variation 633114 (VCV000633114.3), dbSNP rs779228375, ClinGen allele CA387775913.

ClinVar aggregate classification (germline): Conflicting classifications of pathogenicity. Review status: criteria provided, conflicting classifications (1 of 4 stars). 2 submissions from 2 submitters: Uncertain significance (1); Likely benign (1). Last evaluated 2023-03-23.

Conditions:
Hereditary cancer-predisposing syndrome. Also called: Tumor predisposition; Neoplastic Syndromes, Hereditary; Hereditary neoplastic syndrome; Hereditary Cancer Syndrome. Identifiers: Orphanet 140162, MedGen C0027672, MeSH D009386, MONDO:0015356.

Submissions (2):

University of Washington Department of Laboratory Medicine, University of Washington
Classification: Likely benign for Hereditary cancer-predisposing syndrome. Last evaluated: 2023-03-23. Review status: criteria provided, single submitter. Criteria: Dines et al. (Genet Med. 2020). Collection method: curation. Allele origin: germline.
Comment: Missense variant in a coldspot region where missense variants are very unlikely to be pathogenic (PMID:31911673).

BRCA2 exon 11 coldspot. Reclassification based on statistical prior probability.

Women's Health and Genetics/Laboratory Corporation of America, LabCorp
Classification: Uncertain significance. Last evaluated: 2018-04-06. Review status: criteria provided, single submitter. Criteria: LabCorp Variant Classification Summary - May 2015. Collection method: clinical testing. Allele origin: germline.
Comment: Variant summary: BRCA2 c.3225T>G (p.Ser1075Arg) results in a non-conservative amino acid change in the encoded protein sequence. Four of five in-silico tools predict a benign effect of the variant on protein function. The variant was absent in 267676 control chromosomes (gnomAD). The available data on variant occurrences in the general population are insufficient to allow any conclusion about variant significance. To our knowledge, no occurrence of c.3225T>G in individuals affected with Hereditary Breast and Ovarian Cancer and no experimental evidence demonstrating its impact on protein function have been reported. No clinical diagnostic laboratories have submitted clinical-significance assessments for this variant to ClinVar after 2014. Based on the evidence outlined above, the variant was classified as uncertain significance.